The following is an entry in ClinVar:

NM_001273.5(CHD4):c.2660G>A (p.Arg887Gln)

Gene: CHD4 (chromodomain helicase DNA binding protein 4; minus strand). Cytogenetic location: 12p13.31.
Variant type: single nucleotide variant.
Coding change: c.2660G>A on transcript NM_001273.5 (MANE Select); coding-DNA position 2660, G replaced by A.
Protein change: p.Arg887Gln; replaces arginine 887 with glutamine.
Molecular consequence: missense variant.
Genome position (GRCh38, 1-based): chr12:6,592,810, C>T on the plus strand (G>A on the coding strand, the complement: CHD4 is on the minus strand). VCF-style: chr12-6592810-C-T. GRCh37 (hg19) VCF-style: chr12-6701976-C-T.
Other names: c.2639G>A, p.Arg880Gln (NM_001297553.2); c.2621G>A, p.Arg874Gln (NM_001363606.2); short protein forms R874Q, R880Q, R887Q.
Identifiers: ClinVar variation 3766088 (VCV003766088.3).

ClinVar aggregate classification (germline): Likely pathogenic. Review status: criteria provided, multiple submitters, no conflicts (2 of 4 stars). 2 submissions from 2 submitters: Likely pathogenic (2). Last evaluated 2026-10-15.

Conditions:
Sifrim-Hitz-Weiss syndrome (SIHIWES). Also called: SIFRIM-HITZ-WEISS MULTIPLE CONGENITAL ANOMALIES-MENTAL RETARDATION SYNDROME; CHD4 Neurodevelopmental Disorder. Identifiers: Orphanet 653712, MedGen C4310688, MONDO:0014946, OMIM 617159.

Submissions (2):

GeneDx
Classification: Likely pathogenic. Last evaluated: 2026-10-15. Review status: criteria provided, single submitter. Criteria: GeneDx Variant Classification Process June 2021. Collection method: clinical testing. Allele origin: germline.
Comment: Not observed at significant frequency in large population cohorts (gnomAD); In silico analysis supports that this missense variant has a deleterious effect on protein structure/function; Has not been previously published as pathogenic or benign to our knowledge; This variant is associated with the following publications: (PMID: 31388190)

OLLIN Analises Genomicas, OLLIN
Classification: Likely pathogenic for Sifrim-Hitz-Weiss syndrome. Last evaluated: 2025-06-11. Review status: criteria provided, single submitter. Criteria: ACMG Guidelines 2015 PMID 25741868. Collection method: clinical testing. Allele origin: germline. Affected: yes. Observed: 1 variant allele.
Comment: The missense variant (chr12:6592810C>T), located in exon 18 (of 40), absent in gnomAD v4.1 non-UKB, is reported in ClinVar (VCV003766088.1) and in the scientific literature in individuals with Sifrim-Hitz-Weiss Syndrome (PMID: 31388190, 31388190). This variant is in a known mutational hotspot, and in silico analysis predicts that it has a deleterious effect (PMID: 31388190). Additionally, there is another pathogenic variant that alters this same amino acid residue (PMID: 31388190). According to the currently available evidence, this variant has been classified as likely pathogenic (PM1, PM2_P, PM5, PP2, PP3_M).

Literature cited by the submitters: PubMed 31388190 (cited by OLLIN Analises Genomicas, OLLIN).